The following is an entry in ClinVar:

NM_000416.3(IFNGR1):c.437T>G (p.Phe146Cys)

Gene: IFNGR1 (interferon gamma receptor 1; minus strand). Cytogenetic location: 6q23.3.
Variant type: single nucleotide variant.
Coding change: c.437T>G on transcript NM_000416.3 (MANE Select); coding-DNA position 437, T replaced by G.
Protein change: p.Phe146Cys; replaces phenylalanine 146 with cysteine.
Molecular consequence: missense variant.
Genome position (GRCh38, 1-based): chr6:137,204,441, A>C on the plus strand (T>G on the coding strand, the complement: IFNGR1 is on the minus strand). VCF-style: chr6-137204441-A-C. GRCh37 (hg19) VCF-style: chr6-137525578-A-C.
Other names: c.407T>G, p.Phe136Cys (NM_001363526.1); c.314T>G, p.Phe105Cys (NM_001363527.1); short protein forms F105C, F136C, F146C.
Identifiers: ClinVar variation 2738287 (VCV002738287.3), dbSNP rs2548233864, ClinGen allele CA365775423.

ClinVar aggregate classification (germline): Uncertain significance (1 of 4 stars; one submission).

Conditions:
Disseminated atypical mycobacterial infection. Identifiers: MedGen C0694566.

Allele frequency attached by ClinVar (database versions not stated): gnomAD exomes below 0.00001.
gnomAD v4.1: 2 of 1,613,942 alleles (0.00012%); highest among the groups gnomAD compares: Non-Finnish European, 0.000085%; no homozygotes.

Submission:

Labcorp Genetics (formerly Invitae), Labcorp
Classification: Uncertain significance for Disseminated atypical mycobacterial infection. Last evaluated: 2024-01-25. Review status: criteria provided, single submitter. Criteria: Invitae Variant Classification Sherloc (09022015). Collection method: clinical testing. Allele origin: germline.
Comment: This sequence change replaces phenylalanine, which is neutral and non-polar, with cysteine, which is neutral and slightly polar, at codon 146 of the IFNGR1 protein (p.Phe146Cys). This variant is not present in population databases (gnomAD no frequency). This variant has not been reported in the literature in individuals affected with IFNGR1-related conditions. Advanced modeling of protein sequence and biophysical properties (such as structural, functional, and spatial information, amino acid conservation, physicochemical variation, residue mobility, and thermodynamic stability) performed at Invitae indicates that this missense variant is not expected to disrupt IFNGR1 protein function with a negative predictive value of 80%. In summary, the available evidence is currently insufficient to determine the role of this variant in disease. Therefore, it has been classified as a Variant of Uncertain Significance.